The following is an entry in ClinVar:

NM_001378477.3(NYX):c.769G>A (p.Gly257Ser)

Gene: NYX (nyctalopin; plus strand). Cytogenetic location: Xp11.4.
Variant type: single nucleotide variant.
Coding change: c.769G>A on transcript NM_001378477.3 (MANE Select); coding-DNA position 769, G replaced by A.
Protein change: p.Gly257Ser; replaces glycine 257 with serine.
Molecular consequence: missense variant.
Genome position (GRCh38, 1-based): chrX:41,474,237, G>A. VCF-style: chrX-41474237-G-A. GRCh37 (hg19) VCF-style: chrX-41333490-G-A.
Other names: c.769G>A, p.Gly257Ser (NM_022567.3); short protein forms G257S.
Identifiers: ClinVar variation 1434505 (VCV001434505.9), dbSNP rs2147026040, ClinGen allele CA412991217.

ClinVar aggregate classification (germline): Uncertain significance. Review status: criteria provided, multiple submitters, no conflicts (2 of 4 stars). 2 submissions from 2 submitters: Uncertain significance (2). Last evaluated 2023-08-24.

Allele frequency attached by ClinVar (database versions not stated): gnomAD exomes below 0.00001.

Submissions (2):

Labcorp Genetics (formerly Invitae), Labcorp
Classification: Uncertain significance. Last evaluated: 2023-08-24. Review status: criteria provided, single submitter. Criteria: Invitae Variant Classification Sherloc (09022015). Collection method: clinical testing. Allele origin: germline.
Comment: In summary, the available evidence is currently insufficient to determine the role of this variant in disease. Therefore, it has been classified as a Variant of Uncertain Significance. Advanced modeling of protein sequence and biophysical properties (such as structural, functional, and spatial information, amino acid conservation, physicochemical variation, residue mobility, and thermodynamic stability) performed at Invitae indicates that this missense variant is not expected to disrupt NYX protein function. ClinVar contains an entry for this variant (Variation ID: 1434505). This variant has not been reported in the literature in individuals affected with NYX-related conditions. This variant is not present in population databases (gnomAD no frequency). This sequence change replaces glycine, which is neutral and non-polar, with serine, which is neutral and polar, at codon 262 of the NYX protein (p.Gly262Ser).

Blueprint Genetics
Classification: Uncertain significance. Last evaluated: 2023-02-17. Review status: criteria provided, single submitter. Criteria: ACMG Guidelines, 2015. Collection method: clinical testing. Allele origin: germline.